The following is an entry in ClinVar:

ClinVar aggregate classification (germline): Benign/Likely benign. Review status: criteria provided, multiple submitters, no conflicts (2 of 4 stars). 3 submissions from 3 submitters: Benign (1); Likely benign (1). 1 of the submissions does not count toward it. Last evaluated 2026-02-01.

Conditions:
TCIRG1-related disorder. Also called: TCIRG1-related condition.
Autosomal recessive osteopetrosis 1. Also called: TCIRG1-Related Autosomal Recessive Osteopetrosis; ALBERS-SCHONBERG DISEASE, AUTOSOMAL RECESSIVE; TCIRG1-Related Osteopetrosis. Identifiers: Orphanet 667, MedGen C1850127, MONDO:0009815, OMIM 259700.

Allele frequency attached by ClinVar (database versions not stated): gnomAD exomes 0.00028; ExAC 0.00032; ESP Exome Variant Server 0.00062; TOPMed 0.00092; gnomAD 0.00097 and 0.00098; 1000 Genomes Project 30x 0.00141; 1000 Genomes Project 0.00160.
gnomAD v4.1: 294 of 1,613,768 alleles (0.018%); highest among the groups gnomAD compares: African/African-American, 0.29%; 2 homozygotes.

Submissions (3):

Labcorp Genetics (formerly Invitae), Labcorp
Classification: Likely benign. Last evaluated: 2026-02-01. Review status: criteria provided, single submitter. Criteria: Invitae Variant Classification Sherloc (09022015). Collection method: clinical testing. Allele origin: germline.

Illumina Laboratory Services, Illumina
Classification: Benign for Autosomal recessive osteopetrosis 1. Last evaluated: 2017-04-27. Review status: criteria provided, single submitter. Criteria: ICSL Variant Classification Criteria 13 December 2019. Collection method: clinical testing. Allele origin: germline.
Comment: This variant was observed as part of a predisposition screen in an ostensibly healthy population. A literature search was performed for the gene, cDNA change, and amino acid change (where applicable). No publications were found based on this search. Allele frequency data from public databases was too high to be consistent with this variant causing disease. Therefore, this variant is classified as benign.

PreventionGenetics, part of Exact Sciences
Classification: Likely benign for TCIRG1-related condition. Last evaluated: 2023-09-21. Review status: no assertion criteria provided. Collection method: clinical testing. Allele origin: germline. Not counted in ClinVar's aggregate classification.
Comment: This variant is classified as likely benign based on ACMG/AMP sequence variant interpretation guidelines (Richards et al. 2015 PMID: 25741868, with internal and published modifications).

NM_006019.4(TCIRG1):c.1715C>T (p.Pro572Leu)

Gene: TCIRG1 (T cell immune regulator 1, ATPase H+ transporting V0 subunit a3; plus strand). Cytogenetic location: 11q13.2.
Variant type: single nucleotide variant.
Coding change: c.1715C>T on transcript NM_006019.4 (MANE Select); coding-DNA position 1715, C replaced by T.
Protein change: p.Pro572Leu; replaces proline 572 with leucine.
Molecular consequence: missense variant.
Genome position (GRCh38, 1-based): chr11:68,049,122, C>T. VCF-style: chr11-68049122-C-T. GRCh37 (hg19) VCF-style: chr11-67816589-C-T.
Other names: c.821C>T, p.Pro274Leu (NM_001351059.2); c.1067C>T, p.Pro356Leu (NM_006053.4); short protein forms P274L, P356L, P572L.
Identifiers: ClinVar variation 742283 (VCV000742283.16), dbSNP rs115854062, ClinGen allele CA6147246.